The following is an entry in ClinVar:

ClinVar aggregate classification (germline): Uncertain significance (1 of 4 stars; one submission).

Allele frequency attached by ClinVar (database versions not stated): gnomAD exomes below 0.00001; ExAC 0.00001.
gnomAD v4.1: 4 of 1,614,150 alleles (0.00025%); highest among the groups gnomAD compares: Admixed American, 0.0017%; no homozygotes.

Submission:

Labcorp Genetics (formerly Invitae), Labcorp
Classification: Uncertain significance. Last evaluated: 2022-08-01. Review status: criteria provided, single submitter. Criteria: Invitae Variant Classification Sherloc (09022015). Collection method: clinical testing. Allele origin: germline.
Comment: In summary, the available evidence is currently insufficient to determine the role of this variant in disease. Therefore, it has been classified as a Variant of Uncertain Significance. Algorithms developed to predict the effect of missense changes on protein structure and function are either unavailable or do not agree on the potential impact of this missense change (SIFT: "Tolerated"; PolyPhen-2: "Possibly Damaging"; Align-GVGD: "Class C0"). This variant has not been reported in the literature in individuals affected with SCO2-related conditions. This variant is present in population databases (rs772385588, gnomAD 0.003%). This sequence change replaces alanine, which is neutral and non-polar, with threonine, which is neutral and polar, at codon 201 of the SCO2 protein (p.Ala201Thr).

NM_005138.3(SCO2):c.601G>A (p.Ala201Thr)

Genes: NCAPH2 (non-SMC condensin II complex subunit H2; plus strand), SCO2 (synthesis of cytochrome C oxidase 2; minus strand). Cytogenetic location: 22q13.33.
Variant type: single nucleotide variant.
Coding change: c.601G>A on transcript NM_005138.3 (MANE Select); coding-DNA position 601, G replaced by A.
Protein change: p.Ala201Thr; replaces alanine 201 with threonine.
Molecular consequence: missense variant. On other transcripts: 3 prime UTR variant (2).
Genome position (GRCh38, 1-based): chr22:50,523,811, C>T on the plus strand (G>A on the coding strand, the complement: SCO2 is on the minus strand). VCF-style: chr22-50523811-C-T. GRCh37 (hg19) VCF-style: chr22-50962240-C-T.
Other names: c.*436C>T (NM_001185011.2, NM_152299.4); c.601G>A, p.Ala201Thr (NM_001169109.2, NM_001169110.1, NM_001169111.2); short protein forms A201T.
Identifiers: ClinVar variation 1961000 (VCV001961000.5), dbSNP rs772385588, ClinGen allele CA10321162.